The following is an entry in ClinVar:

ClinVar aggregate classification (germline): Conflicting classifications of pathogenicity. Review status: criteria provided, conflicting classifications (1 of 4 stars). 2 submissions from 2 submitters: Uncertain significance (1); Likely benign (1). Last evaluated 2025-10-01.

Allele frequency attached by ClinVar (database versions not stated): gnomAD 0.00002; gnomAD exomes 0.00002; TOPMed 0.00002; ExAC 0.00003; ESP Exome Variant Server 0.00008.
gnomAD v4.1: 31 of 1,585,784 alleles (0.002%); highest among the groups gnomAD compares: Non-Finnish European, 0.0023%; no homozygotes.

Submissions (2):

CeGaT Center for Human Genetics Tuebingen
Classification: Likely benign. Last evaluated: 2025-10-01. Review status: criteria provided, single submitter. Criteria: CeGaT Center For Human Genetics Tuebingen Variant Classification Criteria Version 2. Collection method: clinical testing. Allele origin: germline. Affected: yes. Observed: 1 variant allele.
Comment: AHDC1: BS2

Labcorp Genetics (formerly Invitae), Labcorp
Classification: Uncertain significance. Last evaluated: 2023-11-12. Review status: criteria provided, single submitter. Criteria: Invitae Variant Classification Sherloc (09022015). Collection method: clinical testing. Allele origin: germline.
Comment: This sequence change replaces glycine, which is neutral and non-polar, with serine, which is neutral and polar, at codon 1393 of the AHDC1 protein (p.Gly1393Ser). This variant is present in population databases (rs371911768, gnomAD 0.01%). This variant has not been reported in the literature in individuals affected with AHDC1-related conditions. An algorithm developed to predict the effect of missense changes on protein structure and function (PolyPhen-2) suggests that this variant is likely to be disruptive. In summary, the available evidence is currently insufficient to determine the role of this variant in disease. Therefore, it has been classified as a Variant of Uncertain Significance.

NM_001371928.1(AHDC1):c.4177G>A (p.Gly1393Ser)

Gene: AHDC1 (AT-hook DNA binding motif containing 1; minus strand). Cytogenetic location: 1p36.11.
Variant type: single nucleotide variant.
Coding change: c.4177G>A on transcript NM_001371928.1 (MANE Select); coding-DNA position 4177, G replaced by A.
Protein change: p.Gly1393Ser; replaces glycine 1393 with serine.
Molecular consequence: missense variant.
Genome position (GRCh38, 1-based): chr1:27,547,939, C>T on the plus strand (G>A on the coding strand, the complement: AHDC1 is on the minus strand). VCF-style: chr1-27547939-C-T. GRCh37 (hg19) VCF-style: chr1-27874450-C-T.
Other names: c.4177G>A, p.Gly1393Ser (NM_001029882.3); c.133G>A, p.Gly45Ser (NM_015699.1); short protein forms G1393S, G45S.
Identifiers: ClinVar variation 3019612 (VCV003019612.9), dbSNP rs371911768, ClinGen allele CA715417.